The following is an entry in ClinVar:

ClinVar aggregate classification (germline): Uncertain significance. Review status: criteria provided, multiple submitters, no conflicts (2 of 4 stars). 2 submissions from 2 submitters: Uncertain significance (2). Last evaluated 2026-04-29.

Conditions:
PKD1-related disorder. Also called: PKD1-related condition.

Submissions (2):

PreventionGenetics, part of Exact Sciences
Classification: Uncertain significance for PKD1-related condition. Last evaluated: 2026-04-29. Review status: criteria provided, single submitter. Criteria: ACMG Guidelines, 2015. Collection method: clinical testing. Allele origin: germline.
Comment: The PKD1 c.11170T>C variant is predicted to result in the amino acid substitution p.Trp3724Arg. To our knowledge, this variant has not been reported in the literature or in a large population database (gnomAD), indicating it is rare. An alternate missense change impacting the same amino acid (c.11172G>C, p.Trp3724Cys) has been reported in an individual with autosomal dominant polycystic kidney disease (Table S1, Yan et al. 2022. PubMed ID: 36186434). Although we suspect that the c.11170T>C (p.Trp3724Arg) variant may be pathogenic, at this time, the clinical significance of this variant is uncertain due to the absence of conclusive functional and genetic evidence.

Blueprint Genetics
Classification: Uncertain significance. Last evaluated: 2022-10-19. Review status: criteria provided, single submitter. Criteria: ACMG Guidelines, 2015. Collection method: clinical testing. Allele origin: germline.

NM_001009944.3(PKD1):c.11170T>C (p.Trp3724Arg)

Genes: PKD1-AS1 (PKD1 antisense RNA 1; plus strand), PKD1 (polycystin 1, transient receptor potential channel interacting; minus strand). Cytogenetic location: 16p13.3.
Variant type: single nucleotide variant.
Coding change: c.11170T>C on transcript NM_001009944.3 (MANE Select); coding-DNA position 11170, T replaced by C.
Protein change: p.Trp3724Arg; replaces tryptophan 3724 with arginine.
Molecular consequence: missense variant.
Genome position (GRCh38, 1-based): chr16:2,092,579, A>G on the plus strand (T>C on the coding strand, the complement: PKD1 is on the minus strand). VCF-style: chr16-2092579-A-G. GRCh37 (hg19) VCF-style: chr16-2142580-A-G.
Other names: c.11167T>C, p.Trp3723Arg (NM_000296.4); short protein forms W3723R, W3724R.
Identifiers: ClinVar variation 4927582 (VCV004927582.2).